The following is an entry in ClinVar:

ClinVar aggregate classification (germline): Uncertain significance. Review status: criteria provided, multiple submitters, no conflicts (2 of 4 stars). 2 submissions from 2 submitters: Uncertain significance (2). Last evaluated 2025-09-22.

Conditions:
Classic or attenuated familial adenomatous polyposis. Identifiers: MedGen CN372698, MONDO:0021057.
Hereditary cancer-predisposing syndrome. Also called: Hereditary neoplastic syndrome; Hereditary Cancer Syndrome; Neoplastic Syndromes, Hereditary; Tumor predisposition. Identifiers: Orphanet 140162, MedGen C0027672, MeSH D009386, MONDO:0015356.

Submissions (2):

Ambry Genetics
Classification: Uncertain significance for Hereditary cancer-predisposing syndrome. Last evaluated: 2025-09-22. Review status: criteria provided, single submitter. Criteria: Ambry Variant Classification Scheme 2023. Collection method: clinical testing. Allele origin: germline.
Comment: The p.A2501D variant (also known as c.7502C>A), located in coding exon 15 of the APC gene, results from a C to A substitution at nucleotide position 7502. The alanine at codon 2501 is replaced by aspartic acid, an amino acid with dissimilar properties. This amino acid position is conserved. In addition, in silico predictors for this gene do not accurately predict pathogenicity. Based on the available evidence, the clinical significance of this variant remains unclear.

All of Us Research Program, National Institutes of Health
Classification: Uncertain significance for Classic or attenuated familial adenomatous polyposis. Last evaluated: 2023-05-30. Review status: criteria provided, single submitter. Criteria: ACMG Guidelines, 2015. Collection method: clinical testing. Allele origin: germline. Inheritance: Autosomal dominant inheritance. Observed: 1 variant allele, 1 heterozygote.
Comment: This missense variant replaces alanine with aspartic acid at codon 2501 of the APC protein. Computational prediction suggests that this variant may not impact protein structure and function (internally defined REVEL score threshold <= 0.5, PMID: 27666373). To our knowledge, functional studies have not been reported for this variant. This variant has not been reported in individuals affected with APC-related disorders in the literature. This variant has not been identified in the general population by the Genome Aggregation Database (gnomAD). The available evidence is insufficient to determine the role of this variant in disease conclusively. Therefore, this variant is classified as a Variant of Uncertain Significance.

This study involves interpretation of variants in research participants for the purpose of population health screening. Participant phenotype was not available at the time of variant classification. Additional details can be found in publication PMID: 35346344, PMCID: PMC8962531

NM_000038.6(APC):c.7502C>A (p.Ala2501Asp)

Gene: APC (APC regulator of Wnt signaling pathway; plus strand). Cytogenetic location: 5q22.2.
Variant type: single nucleotide variant.
Coding change: c.7502C>A on transcript NM_000038.6 (MANE Select); coding-DNA position 7502, C replaced by A.
Protein change: p.Ala2501Asp; replaces alanine 2501 with aspartic acid.
Molecular consequence: missense variant. On other transcripts: non-coding transcript variant (2).
Genome position (GRCh38, 1-based): chr5:112,843,096, C>A. VCF-style: chr5-112843096-C-A. GRCh37 (hg19) VCF-style: chr5-112178793-C-A.
Other names: c.7502C>A, p.Ala2501Asp (NM_001127510.3, NM_001354895.2, NM_001407450.1); c.7448C>A, p.Ala2483Asp (NM_001127511.3); c.7556C>A, p.Ala2519Asp (NM_001354896.2, NM_001407447.1, NM_001407448.1 and 1 more transcripts); c.7532C>A, p.Ala2511Asp (NM_001354897.2); c.7427C>A, p.Ala2476Asp (NM_001354898.2); c.7418C>A, p.Ala2473Asp (NM_001354899.2); c.7379C>A, p.Ala2460Asp (NM_001354900.2); c.7325C>A, p.Ala2442Asp (NM_001354901.2, NM_001407453.1); and 12 more; short protein forms A2117D, A2218D, A2341D, A2372D, A2375D, A2400D, A2410D, A2418D.
Identifiers: ClinVar variation 3071382 (VCV003071382.2), dbSNP rs2149988496, ClinGen allele CA16037646.